The following is an entry in ClinVar:

ClinVar aggregate classification (germline): Uncertain significance. Review status: criteria provided, multiple submitters, no conflicts (2 of 4 stars). 2 submissions from 2 submitters: Uncertain significance (2). Last evaluated 2025-08-05.

Allele frequency attached by ClinVar (database versions not stated): TOPMed 0.00002; gnomAD exomes 0.00003; gnomAD 0.00004; ExAC 0.00005; 1000 Genomes Project 30x 0.00016; 1000 Genomes Project 0.00020.
gnomAD v4.1: 48 of 1,608,134 alleles (0.003%); highest among the groups gnomAD compares: South Asian, 0.026%; 1 homozygote.

Submissions (2):

Labcorp Genetics (formerly Invitae), Labcorp
Classification: Uncertain significance. Last evaluated: 2025-08-05. Review status: criteria provided, single submitter. Criteria: Invitae Variant Classification Sherloc (09022015). Collection method: clinical testing. Allele origin: germline.
Comment: This sequence change replaces valine, which is neutral and non-polar, with methionine, which is neutral and non-polar, at codon 86 of the PSMG2 protein (p.Val86Met). This variant is present in population databases (rs550663514, gnomAD 0.03%). This variant has not been reported in the literature in individuals affected with PSMG2-related conditions. ClinVar contains an entry for this variant (Variation ID: 1898023). An algorithm developed to predict the effect of missense changes on protein structure and function outputs the following: PolyPhen-2: "Benign". The methionine amino acid residue is found in multiple mammalian species, which suggests that this missense change does not adversely affect protein function. In summary, the available evidence is currently insufficient to determine the role of this variant in disease. Therefore, it has been classified as a Variant of Uncertain Significance.

Ambry Genetics
Classification: Uncertain significance. Last evaluated: 2025-04-13. Review status: criteria provided, single submitter. Criteria: Ambry Variant Classification Scheme 2023. Collection method: clinical testing. Allele origin: germline.

NM_020232.5(PSMG2):c.256G>A (p.Val86Met)

Gene: PSMG2 (proteasome assembly chaperone 2; plus strand). Cytogenetic location: 18p11.21.
Variant type: single nucleotide variant.
Coding change: c.256G>A on transcript NM_020232.5 (MANE Select); coding-DNA position 256, G replaced by A.
Protein change: p.Val86Met; replaces valine 86 with methionine.
Molecular consequence: missense variant.
Genome position (GRCh38, 1-based): chr18:12,712,728, G>A. VCF-style: chr18-12712728-G-A. GRCh37 (hg19) VCF-style: chr18-12712727-G-A.
Other names: c.163G>A, p.Val55Met (NM_147163.2); c.256G>A (NM_020232.4); short protein forms V86M, V55M.
Identifiers: ClinVar variation 1898023 (VCV001898023.6), dbSNP rs550663514, ClinGen allele CA8898341.